The following is an entry in ClinVar:

ClinVar aggregate classification (germline): Uncertain significance. Review status: criteria provided, multiple submitters, no conflicts (2 of 4 stars). 2 submissions from 2 submitters: Uncertain significance (2). Last evaluated 2024-02-06.

Conditions:
Familial cancer of breast. Also called: BREAST CANCER, FAMILIAL; Hereditary breast cancer; hereditary breast carcinoma. Identifiers: Orphanet 227535, MedGen C0346153, MONDO:0016419, OMIM 114480. Disease mechanism: loss of function.
Hereditary cancer-predisposing syndrome. Also called: Hereditary Cancer Syndrome; Neoplastic Syndromes, Hereditary; Tumor predisposition; Hereditary neoplastic syndrome. Identifiers: Orphanet 140162, MedGen C0027672, MeSH D009386, MONDO:0015356.

gnomAD v4.1: 2 of 1,613,506 alleles (0.00012%); highest among the groups gnomAD compares: Non-Finnish European, 0.00017%; no homozygotes.

Submissions (2):

Ambry Genetics
Classification: Uncertain significance for Hereditary cancer-predisposing syndrome. Last evaluated: 2024-02-06. Review status: criteria provided, single submitter. Criteria: Ambry Variant Classification Scheme 2023. Collection method: clinical testing. Allele origin: germline.
Comment: The p.D438N variant (also known as c.1312G>A), located in coding exon 11 of the CHEK2 gene, results from a G to A substitution at nucleotide position 1312. The aspartic acid at codon 438 is replaced by asparagine, an amino acid with highly similar properties. This amino acid position is well conserved in available vertebrate species. In addition, this alteration is predicted to be tolerated by in silico analysis. Since supporting evidence is limited at this time, the clinical significance of this alteration remains unclear.

Labcorp Genetics (formerly Invitae), Labcorp
Classification: Uncertain significance for Familial cancer of breast. Last evaluated: 2024-01-03. Review status: criteria provided, single submitter. Criteria: Invitae Variant Classification Sherloc (09022015). Collection method: clinical testing. Allele origin: germline.
Comment: This sequence change replaces aspartic acid, which is acidic and polar, with asparagine, which is neutral and polar, at codon 438 of the CHEK2 protein (p.Asp438Asn). This variant is not present in population databases (gnomAD no frequency). This variant has not been reported in the literature in individuals affected with CHEK2-related conditions. ClinVar contains an entry for this variant (Variation ID: 479594). An algorithm developed to predict the effect of missense changes on protein structure and function (PolyPhen-2) suggests that this variant is likely to be tolerated. In summary, the available evidence is currently insufficient to determine the role of this variant in disease. Therefore, it has been classified as a Variant of Uncertain Significance.

NM_007194.4(CHEK2):c.1312G>A (p.Asp438Asn)

Gene: CHEK2 (checkpoint kinase 2; minus strand). Cytogenetic location: 22q12.1.
Variant type: single nucleotide variant.
Coding change: c.1312G>A on transcript NM_007194.4 (MANE Select); coding-DNA position 1312, G replaced by A.
Protein change: p.Asp438Asn; replaces aspartic acid 438 with asparagine.
Molecular consequence: missense variant.
Genome position (GRCh38, 1-based): chr22:28,695,190, C>T on the plus strand (G>A on the coding strand, the complement: CHEK2 is on the minus strand). VCF-style: chr22-28695190-C-T. GRCh37 (hg19) VCF-style: chr22-29091178-C-T.
Other names: c.1441G>A, p.Asp481Asn (NM_001005735.3); c.649G>A, p.Asp217Asn (NM_001257387.3); c.1111G>A, p.Asp371Asn (NM_001349956.3); c.1225G>A, p.Asp409Asn (NM_145862.3); short protein forms D438N, D371N, D481N, D217N, D409N.
Identifiers: ClinVar variation 479594 (VCV000479594.15), dbSNP rs200050883, ClinGen allele CA411096013.